The following is an entry in ClinVar:

ClinVar aggregate classification (germline): Conflicting classifications of pathogenicity. Review status: criteria provided, conflicting classifications (1 of 4 stars). 6 submissions from 6 submitters: Uncertain significance (3); Likely benign (2). 1 of the submissions does not count toward it. Last evaluated 2026-01-26.

Conditions:
SLC10A2-related disorder. Also called: SLC10A2-related condition.
Bile acid malabsorption, primary, 1 (PBAM1). Also called: Bile acid malabsorption, primary. Identifiers: MedGen C5561934, MONDO:0013214, OMIM 613291.

Allele frequency attached by ClinVar (database versions not stated): gnomAD 0.00024 and 0.00025; ExAC 0.00041; TOPMed 0.00041; 1000 Genomes Project 30x 0.00047; 1000 Genomes Project 0.00060.
gnomAD v4.1: 241 of 1,614,056 alleles (0.015%); highest among the groups gnomAD compares: Admixed American, 0.39%; no homozygotes.

Submissions (6):

Labcorp Genetics (formerly Invitae), Labcorp
Classification: Likely benign. Last evaluated: 2026-01-26. Review status: criteria provided, single submitter. Criteria: Invitae Variant Classification Sherloc (09022015). Collection method: clinical testing. Allele origin: germline.

Mayo Clinic Laboratories, Mayo Clinic
Classification: Uncertain significance. Last evaluated: 2024-10-28. Review status: criteria provided, single submitter. Criteria: ACMG Guidelines, 2015. Collection method: clinical testing. Allele origin: germline. Observed: 3 variant alleles.
Comment: BP4_moderate

Blueprint Genetics
Classification: Likely benign. Last evaluated: 2023-01-18. Review status: criteria provided, single submitter. Criteria: ACMG Guidelines, 2015. Collection method: clinical testing. Allele origin: germline.

Fulgent Genetics
Classification: Uncertain significance for Bile acid malabsorption, primary, 1. Last evaluated: 2018-10-31. Review status: criteria provided, single submitter. Criteria: ACMG Guidelines, 2015. Collection method: clinical testing. Allele origin: unknown.

Eurofins Ntd Llc (ga)
Classification: Uncertain significance. Last evaluated: 2018-06-11. Review status: criteria provided, single submitter. Criteria: EGL ClinVar v180209 classification definitions. Collection method: clinical testing. Allele origin: germline. Observed: 13 variant alleles, 13 heterozygotes.

PreventionGenetics, part of Exact Sciences
Classification: Likely benign for SLC10A2-related condition. Last evaluated: 2022-03-22. Review status: no assertion criteria provided. Collection method: clinical testing. Allele origin: germline. Not counted in ClinVar's aggregate classification.
Comment: This variant is classified as likely benign based on ACMG/AMP sequence variant interpretation guidelines (Richards et al. 2015 PMID: 25741868, with internal and published modifications).

NM_000452.3(SLC10A2):c.132G>C (p.Leu44Phe)

Gene: SLC10A2 (solute carrier family 10 member 2; minus strand). Cytogenetic location: 13q33.1.
Variant type: single nucleotide variant.
Coding change: c.132G>C on transcript NM_000452.3 (MANE Select); coding-DNA position 132, G replaced by C.
Protein change: p.Leu44Phe; replaces leucine 44 with phenylalanine.
Molecular consequence: missense variant.
Genome position (GRCh38, 1-based): chr13:103,066,118, C>G on the plus strand (G>C on the coding strand, the complement: SLC10A2 is on the minus strand). VCF-style: chr13-103066118-C-G. GRCh37 (hg19) VCF-style: chr13-103718468-C-G.
Other names: p.Leu44Phe; short protein forms L44F.
Identifiers: ClinVar variation 501874 (VCV000501874.20), dbSNP rs199553519, ClinGen allele CA7042338.